The following is an entry in ClinVar:

NM_133642.5(LARGE1):c.34T>C (p.Leu12=)

Gene: LARGE1 (LARGE xylosyl- and glucuronyltransferase 1; minus strand). Cytogenetic location: 22q12.3.
Variant type: single nucleotide variant.
Coding change: c.34T>C on transcript NM_133642.5 (MANE Select); coding-DNA position 34, T replaced by C.
Protein change: p.Leu12=; no amino-acid change (leucine 12 retained).
Molecular consequence: synonymous variant.
Genome position (GRCh38, 1-based): chr22:33,761,443, A>G on the plus strand (T>C on the coding strand, the complement: LARGE1 is on the minus strand). VCF-style: chr22-33761443-A-G. GRCh37 (hg19) VCF-style: chr22-34157430-A-G.
Other names: c.34T>C, p.Leu12= (NM_001362949.2, NM_001362951.2, NM_001362953.2 and 7 more transcripts).
Identifiers: ClinVar variation 510623 (VCV000510623.4), dbSNP rs1320102818, ClinGen allele CA514422327.

ClinVar aggregate classification (germline): Likely benign. Review status: criteria provided, multiple submitters, no conflicts (2 of 4 stars). 2 submissions from 2 submitters: Likely benign (2). Last evaluated 2023-02-16.

Conditions:
Muscular dystrophy-dystroglycanopathy type B6 (MDDGB6). Also called: MUSCULAR DYSTROPHY-DYSTROGLYCANOPATHY (CONGENITAL WITH IMPAIRED INTELLECTUAL DEVELOPMENT), TYPE B, 6; MUSCULAR DYSTROPHY, CONGENITAL, LARGE-RELATED; MUSCULAR DYSTROPHY, CONGENITAL, TYPE 1D. Identifiers: MedGen C1837229, MONDO:0012138, OMIM 608840.

Allele frequency attached by ClinVar (database versions not stated): gnomAD exomes 0.00001 and 0.00002; TOPMed 0.00001.
gnomAD v4.1: 29 of 1,614,072 alleles (0.0018%); highest among the groups gnomAD compares: Non-Finnish European, 0.0023%; no homozygotes.

Submissions (2):

Labcorp Genetics (formerly Invitae), Labcorp
Classification: Likely benign for Muscular dystrophy-dystroglycanopathy type B6. Last evaluated: 2023-02-16. Review status: criteria provided, single submitter. Criteria: Invitae Variant Classification Sherloc (09022015). Collection method: clinical testing. Allele origin: germline.

GeneDx
Classification: Likely benign. Last evaluated: 2017-07-06. Review status: criteria provided, single submitter. Criteria: GeneDx Variant Classification (06012015). Collection method: clinical testing. Allele origin: germline. Affected: yes.
Comment: This variant is considered likely benign or benign based on one or more of the following criteria: it is a conservative change, it occurs at a poorly conserved position in the protein, it is predicted to be benign by multiple in silico algorithms, and/or has population frequency not consistent with disease.